The following is an entry in ClinVar:

NM_000135.4(FANCA):c.3226C>G (p.Leu1076Val)

Gene: FANCA (FA complementation group A; minus strand). Cytogenetic location: 16q24.3.
Variant type: single nucleotide variant.
Coding change: c.3226C>G on transcript NM_000135.4 (MANE Select); coding-DNA position 3226, C replaced by G.
Protein change: p.Leu1076Val; replaces leucine 1076 with valine.
Molecular consequence: missense variant.
Genome position (GRCh38, 1-based): chr16:89,749,743, G>C on the plus strand (C>G on the coding strand, the complement: FANCA is on the minus strand). VCF-style: chr16-89749743-G-C. GRCh37 (hg19) VCF-style: chr16-89816151-G-C.
Other names: c.3226C>G, p.Leu1076Val (NM_001286167.3); short protein forms L1076V.
Identifiers: ClinVar variation 970402 (VCV000970402.5), dbSNP rs368921238, ClinGen allele CA8251292.

ClinVar aggregate classification (germline): Uncertain significance (1 of 4 stars; one submission).

Conditions:
Fanconi anemia (FA). Also called: Fanconi's anemia. Identifiers: Orphanet 84, MedGen C0015625, MeSH D005199, MONDO:0019391.

Allele frequency attached by ClinVar (database versions not stated): gnomAD exomes 0.00001; ExAC 0.00002; gnomAD 0.00003 and 0.00004; TOPMed 0.00004; ESP Exome Variant Server 0.00008.
gnomAD v4.1: 6 of 1,613,872 alleles (0.00037%); highest among the groups gnomAD compares: African/African-American, 0.008%; no homozygotes.

Submission:

Labcorp Genetics (formerly Invitae), Labcorp
Classification: Uncertain significance for Fanconi anemia. Last evaluated: 2021-10-08. Review status: criteria provided, single submitter. Criteria: Invitae Variant Classification Sherloc (09022015). Collection method: clinical testing. Allele origin: germline.
Comment: This sequence change replaces leucine with valine at codon 1076 of the FANCA protein (p.Leu1076Val). The leucine residue is moderately conserved and there is a small physicochemical difference between leucine and valine. This variant is present in population databases (rs368921238, ExAC 0.02%). This variant has not been reported in the literature in individuals affected with FANCA-related conditions. Algorithms developed to predict the effect of missense changes on protein structure and function (SIFT, PolyPhen-2, Align-GVGD) all suggest that this variant is likely to be tolerated. Algorithms developed to predict the effect of sequence changes on RNA splicing suggest that this variant may create or strengthen a splice site. In summary, the available evidence is currently insufficient to determine the role of this variant in disease. Therefore, it has been classified as a Variant of Uncertain Significance.